The following is an entry in ClinVar:

NM_000059.4(BRCA2):c.8696A>C (p.Gln2899Pro)

Gene: BRCA2 (BRCA2 DNA repair associated; plus strand). Cytogenetic location: 13q13.1.
Variant type: single nucleotide variant.
Coding change: c.8696A>C on transcript NM_000059.4 (MANE Select); coding-DNA position 8696, A replaced by C.
Protein change: p.Gln2899Pro; replaces glutamine 2899 with proline.
Molecular consequence: missense variant.
Genome position (GRCh38, 1-based): chr13:32,376,733, A>C. VCF-style: chr13-32376733-A-C. GRCh37 (hg19) VCF-style: chr13-32950870-A-C.
Other names: short protein forms Q2899P.
Identifiers: ClinVar variation 1488596 (VCV001488596.8), dbSNP rs2072875390, ClinGen allele CA387754833.

ClinVar aggregate classification (germline): Uncertain significance. Review status: criteria provided, multiple submitters, no conflicts (2 of 4 stars). 2 submissions from 2 submitters: Uncertain significance (2). Last evaluated 2022-04-22.

Conditions:
Hereditary cancer-predisposing syndrome. Also called: Hereditary neoplastic syndrome; Neoplastic Syndromes, Hereditary; Hereditary Cancer Syndrome; Tumor predisposition. Identifiers: Orphanet 140162, MedGen C0027672, MeSH D009386, MONDO:0015356.
Hereditary breast ovarian cancer syndrome. Also called: Hereditary breast and/or ovarian cancer syndrome; Hereditary breast and ovarian cancer syndrome (HBOC); Breast and ovarian cancer; Hereditary breast and ovarian cancer; Hereditary breast and ovarian cancer syndrome; BRCA1- and BRCA2-Associated Hereditary Breast and Ovarian Cancer. Identifiers: Orphanet 145, MedGen C0677776, MeSH D061325, MONDO:0003582. Disease mechanism: loss of function.

Allele frequency attached by ClinVar (database versions not stated): TOPMed below 0.00001.

Submissions (2):

Ambry Genetics
Classification: Uncertain significance for Hereditary cancer-predisposing syndrome. Last evaluated: 2022-04-22. Review status: criteria provided, single submitter. Criteria: Ambry Variant Classification Scheme 2023. Collection method: clinical testing. Allele origin: germline.
Comment: The p.Q2899P variant (also known as c.8696A>C), located in coding exon 20 of the BRCA2 gene, results from an A to C substitution at nucleotide position 8696. The glutamine at codon 2899 is replaced by proline, an amino acid with similar properties. This amino acid position is conserved. In addition, the in silico prediction for this alteration is inconclusive. Since supporting evidence is limited at this time, the clinical significance of this alteration remains unclear.

Labcorp Genetics (formerly Invitae), Labcorp
Classification: Uncertain significance for Hereditary breast ovarian cancer syndrome. Last evaluated: 2021-11-13. Review status: criteria provided, single submitter. Criteria: Invitae Variant Classification Sherloc (09022015). Collection method: clinical testing. Allele origin: germline.
Comment: This sequence change replaces glutamine, which is neutral and polar, with proline, which is neutral and non-polar, at codon 2899 of the BRCA2 protein (p.Gln2899Pro). This variant is not present in population databases (gnomAD no frequency). This variant has not been reported in the literature in individuals affected with BRCA2-related conditions. Advanced modeling of protein sequence and biophysical properties (such as structural, functional, and spatial information, amino acid conservation, physicochemical variation, residue mobility, and thermodynamic stability) performed at Invitae indicates that this missense variant is not expected to disrupt BRCA2 protein function. In summary, the available evidence is currently insufficient to determine the role of this variant in disease. Therefore, it has been classified as a Variant of Uncertain Significance.